The following is an entry in ClinVar:

NM_004036.5(ADCY3):c.3401T>C (p.Val1134Ala)

Genes: ADCY3 (adenylate cyclase 3; minus strand), CENPO (centromere protein O; plus strand). Cytogenetic location: 2p23.3.
Variant type: single nucleotide variant.
Coding change: c.3401T>C on transcript NM_004036.5 (MANE Select); coding-DNA position 3401, T replaced by C.
Protein change: p.Val1134Ala; replaces valine 1134 with alanine.
Molecular consequence: missense variant. On other transcripts: 3 prime UTR variant (4), non-coding transcript variant (3).
Genome position (GRCh38, 1-based): chr2:24,819,966, A>G on the plus strand (T>C on the coding strand, the complement: ADCY3 is on the minus strand). VCF-style: chr2-24819966-A-G. GRCh37 (hg19) VCF-style: chr2-25042835-A-G.
Other names: c.3404T>C, p.Val1135Ala (NM_001320613.2); c.3467T>C, p.Val1156Ala (NM_001377128.1); c.3263T>C, p.Val1088Ala (NM_001377129.1); c.*142T>C (NM_001377130.1); c.2678T>C, p.Val893Ala (NM_001377131.1); c.3401T>C, p.Val1134Ala (NM_001377132.1); c.*648A>G (NM_001199803.3, NM_001322101.2, NM_024322.4); short protein forms V1135A, V893A, V1088A, V1156A, V1134A.
Identifiers: ClinVar variation 4979305 (VCV004979305.1).
Genomic context (GRCh38, chr2:24,819,966, plus strand): 5'-TTGGACTGTTGCAGGCTCGAGGCCATTCAGGAGTTGTCCACCACCTGGTGGGGCAGTGTG[A>G]CAGAGGGGCCATTGGGGAAGGTGGCTAGCTTATCCCGCCCCTTCAAGAAGAAGGTCAGCA-3'
Protein context (NP_004027.2, residues 1124-1144): KLATFPNGPS[Val1134Ala]TLPHQVVDNS

ClinVar aggregate classification (germline): Uncertain significance (1 of 4 stars; one submission).

Conditions:
ADCY3-related disorder. Also called: ADCY3-related condition.

gnomAD v4.1: 4 of 1,613,844 alleles (0.00025%); highest among the groups gnomAD compares: Non-Finnish European, 0.00034%; no homozygotes.

Submission:

PreventionGenetics, part of Exact Sciences
Classification: Uncertain significance for ADCY3-related condition. Last evaluated: 2026-08-25. Review status: criteria provided, single submitter. Criteria: ACMG Guidelines, 2015. Collection method: clinical testing. Allele origin: germline.
Comment: The ADCY3 c.3404T>C variant is predicted to result in the amino acid substitution p.Val1135Ala. To our knowledge, this variant has not been reported in the literature. This variant is reported in 0.0018% of alleles in individuals of European (Non-Finnish) descent in gnomAD. At this time, the clinical significance of this variant is uncertain due to the absence of conclusive functional and genetic evidence.